The following is an entry in ClinVar:

ClinVar aggregate classification (germline): Likely benign (1 of 4 stars; one submission).

Submission:

CeGaT Center for Human Genetics Tuebingen
Classification: Likely benign. Last evaluated: 2023-01-01. Review status: criteria provided, single submitter. Criteria: CeGaT Center For Human Genetics Tuebingen Variant Classification Criteria Version 2. Collection method: clinical testing. Allele origin: germline. Affected: yes. Observed: 1 variant allele.
Comment: NRAS: BS1

NM_002524.5(NRAS):c.*2221dup

Gene: NRAS (NRAS proto-oncogene, GTPase; minus strand). Cytogenetic location: 1p13.2.
Variant type: Duplication.
Coding change: c.*2221dup on transcript NM_002524.5 (MANE Select); 2221 bases downstream of the stop codon, one base duplicated (T; older notation c.*2221dupT).
Molecular consequence: 3 prime UTR variant.
Genome position (GRCh38, 1-based): chr1:114,705,873, A duplicated on the plus strand (T on the coding strand, the reverse complement: NRAS is on the minus strand); the first of 4 consecutive A bases (chr1:114,705,873-114,705,876); duplicating any one gives the same sequence. VCF-style (leftmost placement, unchanged base first): chr1-114705872-G-GA. GRCh37 (hg19) VCF-style: chr1-115248493-G-GA.
Identifiers: ClinVar variation 2639008 (VCV002639008.24), dbSNP rs1658901555, ClinGen allele CA1005997090.